The following is an entry in ClinVar:

NM_000180.4(GUCY2D):c.2480A>G (p.Tyr827Cys)

Gene: GUCY2D (guanylate cyclase 2D, retinal; plus strand). Cytogenetic location: 17p13.1.
Variant type: single nucleotide variant.
Coding change: c.2480A>G on transcript NM_000180.4 (MANE Select); coding-DNA position 2480, A replaced by G.
Protein change: p.Tyr827Cys; replaces tyrosine 827 with cysteine.
Molecular consequence: missense variant.
Genome position (GRCh38, 1-based): chr17:8,014,668, A>G. VCF-style: chr17-8014668-A-G. GRCh37 (hg19) VCF-style: chr17-7917986-A-G.
Other names: short protein forms Y827C.
Identifiers: ClinVar variation 966114 (VCV000966114.10), dbSNP rs1975925661, ClinGen allele CA397953531.
Genomic context (GRCh38, chr17:8,014,668, plus strand): 5'-ACATCAACAAGGGCCGGAAGACGAACATCATTGACTCGATGCTTCGGATGCTGGAGCAGT[A>G]CTCTAGTAACCTGGAGGATCTGATCCGGGAGCGCACGGAGGAGCTGGAGCTGGAAAAGCA-3'
Protein context (NP_000171.1, residues 817-837): IDSMLRMLEQ[Tyr827Cys]SSNLEDLIRE

ClinVar aggregate classification (germline): Uncertain significance. Review status: criteria provided, multiple submitters, no conflicts (2 of 4 stars). 3 submissions from 3 submitters: Uncertain significance (2). 1 of the submissions does not count toward it. Last evaluated 2025-07-29.

Conditions:
Retinal dystrophy. Also called: Inherited retinal dystrophy. Identifiers: Orphanet 71862, MedGen C0854723, MeSH D058499, MONDO:0019118, HP:0000556.
Cone-rod dystrophy 6 (CORD6). Also called: RETINAL CONE DYSTROPHY 2; Cone dystrophy progressive. Identifiers: Orphanet 1872, MedGen C1866293, MONDO:0011143, OMIM 601777.
Leber congenital amaurosis 1 (LCA1). Also called: Congenital absence of the rods and cones; Leber's congenital tapetoretinal degeneration; Leber's congenital tapetoretinal dysplasia; RETINAL BLINDNESS, CONGENITAL; AMAUROSIS CONGENITA OF LEBER I. Identifiers: Orphanet 65, MedGen C2931258, MONDO:0008764, OMIM 204000.

Submissions (3):

Labcorp Genetics (formerly Invitae), Labcorp
Classification: Uncertain significance for Leber congenital amaurosis 1; Cone-rod dystrophy 6. Last evaluated: 2025-07-29. Review status: criteria provided, single submitter. Criteria: Invitae Variant Classification Sherloc (09022015). Collection method: clinical testing. Allele origin: germline.
Comment: This sequence change replaces tyrosine, which is neutral and polar, with cysteine, which is neutral and slightly polar, at codon 827 of the GUCY2D protein (p.Tyr827Cys). This variant is not present in population databases (gnomAD no frequency). This variant has not been reported in the literature in individuals affected with GUCY2D-related conditions. ClinVar contains an entry for this variant (Variation ID: 966114). Invitae Evidence Modeling of protein sequence and biophysical properties (such as structural, functional, and spatial information, amino acid conservation, physicochemical variation, residue mobility, and thermodynamic stability) has been performed for this missense variant. However, the output from this modeling did not meet the statistical confidence thresholds required to predict the impact of this variant on GUCY2D protein function. In summary, the available evidence is currently insufficient to determine the role of this variant in disease. Therefore, it has been classified as a Variant of Uncertain Significance.

Blueprint Genetics
Classification: Uncertain significance. Last evaluated: 2022-09-07. Review status: criteria provided, single submitter. Criteria: ACMG Guidelines, 2015. Collection method: clinical testing. Allele origin: germline.

Institute of Human Genetics, Univ. Regensburg, Univ. Regensburg
Classification: Uncertain significance for Retinal dystrophy. Last evaluated: 2022-01-01. Review status: no assertion criteria provided. Criteria: ACMG Guidelines, 2015. Collection method: clinical testing. Allele origin: germline. Affected: yes. Not counted in ClinVar's aggregate classification.